The following is an entry in ClinVar:

NM_000124.4(ERCC6):c.2128C>G (p.Pro710Ala)

Gene: ERCC6 (ERCC excision repair 6, chromatin remodeling factor; minus strand). Cytogenetic location: 10q11.23.
Variant type: single nucleotide variant.
Coding change: c.2128C>G on transcript NM_000124.4 (MANE Select); coding-DNA position 2128, C replaced by G.
Protein change: p.Pro710Ala; replaces proline 710 with alanine.
Molecular consequence: missense variant.
Genome position (GRCh38, 1-based): chr10:49,482,728, G>C on the plus strand (C>G on the coding strand, the complement: ERCC6 is on the minus strand). VCF-style: chr10-49482728-G-C. GRCh37 (hg19) VCF-style: chr10-50690774-G-C.
Other names: c.2128C>G, p.Pro710Ala (NM_001346440.2); short protein forms P710A.
Identifiers: ClinVar variation 1953550 (VCV001953550.5), dbSNP rs2496006811, ClinGen allele CA376724206.

ClinVar aggregate classification (germline): Uncertain significance (1 of 4 stars; one submission).

Submission:

Labcorp Genetics (formerly Invitae), Labcorp
Classification: Uncertain significance. Last evaluated: 2023-10-03. Review status: criteria provided, single submitter. Criteria: Invitae Variant Classification Sherloc (09022015). Collection method: clinical testing. Allele origin: germline.
Comment: This sequence change replaces proline, which is neutral and non-polar, with alanine, which is neutral and non-polar, at codon 710 of the ERCC6 protein (p.Pro710Ala). This variant is not present in population databases (gnomAD no frequency). This variant has not been reported in the literature in individuals affected with ERCC6-related conditions. ClinVar contains an entry for this variant (Variation ID: 1953550). Advanced modeling of protein sequence and biophysical properties (such as structural, functional, and spatial information, amino acid conservation, physicochemical variation, residue mobility, and thermodynamic stability) has been performed at Invitae for this missense variant, however the output from this modeling did not meet the statistical confidence thresholds required to predict the impact of this variant on ERCC6 protein function. In summary, the available evidence is currently insufficient to determine the role of this variant in disease. Therefore, it has been classified as a Variant of Uncertain Significance.